The following is an entry in ClinVar:

NM_000733.4(CD3E):c.481C>G (p.Pro161Ala)

Gene: CD3E (CD3 epsilon subunit of T-cell receptor complex; plus strand). Cytogenetic location: 11q23.3.
Variant type: single nucleotide variant.
Coding change: c.481C>G on transcript NM_000733.4 (MANE Select); coding-DNA position 481, C replaced by G.
Protein change: p.Pro161Ala; replaces proline 161 with alanine.
Molecular consequence: missense variant.
Genome position (GRCh38, 1-based): chr11:118,313,835, C>G. VCF-style: chr11-118313835-C-G. GRCh37 (hg19) VCF-style: chr11-118184550-C-G.
Other names: short protein forms P161A.
Identifiers: ClinVar variation 2194142 (VCV002194142.4), dbSNP rs530715111, ClinGen allele CA6301725.
Genomic context (GRCh38, chr11:118,313,835, plus strand): 5'-ACTGGGGGCTTGCTGCTGCTGGTTTACTACTGGAGCAAGAATAGAAAGGCCAAGGCCAAG[C>G]CTGTGACACGAGGAGCGGGTGCTGGCGGCAGGCAAAGGGGTAAGGCTGTGGAGTCCAGTC-3'
Protein context (NP_000724.1, residues 151-171): WSKNRKAKAK[Pro161Ala]VTRGAGAGGR

ClinVar aggregate classification (germline): Uncertain significance. Review status: criteria provided, multiple submitters, no conflicts (2 of 4 stars). 2 submissions from 2 submitters: Uncertain significance (2). Last evaluated 2025-06-18.

Conditions:
Immunodeficiency 18 (IMD18). Also called: CD3-EPSILON DEFICIENCY; CD3epsilon deficiency. Identifiers: MedGen C3810127, MONDO:0014278, OMIM 615615.
Inborn genetic diseases. Identifiers: MedGen C0950123, MeSH D030342.

Allele frequency attached by ClinVar (database versions not stated): gnomAD 0.00005; TOPMed 0.00005; ExAC 0.00008; 1000 Genomes Project 0.00020; 1000 Genomes Project 30x 0.00031.
gnomAD v4.1: 101 of 1,613,980 alleles (0.0063%); highest among the groups gnomAD compares: South Asian, 0.086%; 1 homozygote.

Submissions (2):

Ambry Genetics
Classification: Uncertain significance for Inborn genetic diseases. Last evaluated: 2025-06-18. Review status: criteria provided, single submitter. Criteria: Ambry Variant Classification Scheme 2023. Collection method: clinical testing. Allele origin: germline.

Labcorp Genetics (formerly Invitae), Labcorp
Classification: Uncertain significance for Immunodeficiency 18. Last evaluated: 2022-06-10. Review status: criteria provided, single submitter. Criteria: Invitae Variant Classification Sherloc (09022015). Collection method: clinical testing. Allele origin: germline.
Comment: This sequence change replaces proline, which is neutral and non-polar, with alanine, which is neutral and non-polar, at codon 161 of the CD3E protein (p.Pro161Ala). This variant is present in population databases (rs530715111, gnomAD 0.08%). This variant has not been reported in the literature in individuals affected with CD3E-related conditions. Algorithms developed to predict the effect of missense changes on protein structure and function are either unavailable or do not agree on the potential impact of this missense change (SIFT: "Tolerated"; PolyPhen-2: "Possibly Damaging"; Align-GVGD: "Class C0"). In summary, the available evidence is currently insufficient to determine the role of this variant in disease. Therefore, it has been classified as a Variant of Uncertain Significance.